The following is an entry in ClinVar:

ClinVar aggregate classification (germline): Conflicting classifications of pathogenicity. Review status: criteria provided, conflicting classifications (1 of 4 stars). 2 submissions from 2 submitters: Uncertain significance (1); Likely benign (1). Last evaluated 2023-07-01.

Allele frequency attached by ClinVar (database versions not stated): 1000 Genomes Project 30x 0.00312; 1000 Genomes Project 0.00339; TOPMed 0.00455; gnomAD 0.00644 and 0.00648; gnomAD exomes 0.00815.

Submissions (2):

CeGaT Center for Human Genetics Tuebingen
Classification: Likely benign. Last evaluated: 2023-07-01. Review status: criteria provided, single submitter. Criteria: CeGaT Center For Human Genetics Tuebingen Variant Classification Criteria Version 2. Collection method: clinical testing. Allele origin: germline. Affected: yes. Observed: 7 variant alleles.
Comment: NPC1: BS2

Breakthrough Genomics
Classification: Uncertain significance. Review status: criteria provided, single submitter. Criteria: ACMG Guidelines, 2015. Collection method: not provided. Allele origin: germline. Inheritance: Autosomal recessive inheritance. Affected: yes.

NM_000271.5(NPC1):c.*309_*315del

Gene: NPC1 (NPC intracellular cholesterol transporter 1; minus strand). Cytogenetic location: 18q11.2.
Variant type: Deletion.
Coding change: c.*309_*315del on transcript NM_000271.5 (MANE Select); 309 bases downstream of the stop codon through 315 bases downstream of the stop codon, 7 bases deleted (TGTAAAG; older notation c.*309_*315delTGTAAAG).
Molecular consequence: 3 prime UTR variant.
Genome position (GRCh38, 1-based): chr18:23,531,887-23,531,893, CTTTACA deleted on the plus strand (TGTAAAG on the coding strand, the reverse complement: NPC1 is on the minus strand). VCF-style (leftmost placement, unchanged base first): chr18-23531886-CCTTTACA-C. GRCh37 (hg19) VCF-style: chr18-21111850-CCTTTACA-C.
Identifiers: ClinVar variation 326243 (VCV000326243.33), dbSNP rs145236115, ClinGen allele CA10641144.